The following is an entry in ClinVar:

ClinVar aggregate classification (germline): Uncertain significance (1 of 4 stars; one submission).

Conditions:
Myofibrillar myopathy 5. Also called: Filaminopathy (type); FILAMINOPATHY, AUTOSOMAL DOMINANT. Identifiers: Orphanet 171445, MedGen C1836050, MONDO:0012289, OMIM 609524.
Hypertrophic cardiomyopathy 26. Also called: Cardiomyopathy, familial hypertrophic, 26. Identifiers: Orphanet 75249, MedGen C4310749, MONDO:0014883, OMIM 617047.
Distal myopathy with posterior leg and anterior hand involvement. Also called: WILLIAMS DISTAL MYOPATHY. Identifiers: Orphanet 63273, MedGen C3279722, MONDO:0013550, OMIM 614065.

Allele frequency attached by ClinVar (database versions not stated): ExAC 0.00001.

Submission:

Labcorp Genetics (formerly Invitae), Labcorp
Classification: Uncertain significance for Distal myopathy with posterior leg and anterior hand involvement; Myofibrillar myopathy 5; Hypertrophic cardiomyopathy 26. Last evaluated: 2023-04-10. Review status: criteria provided, single submitter. Criteria: Invitae Variant Classification Sherloc (09022015). Collection method: clinical testing. Allele origin: germline.
Comment: In summary, the available evidence is currently insufficient to determine the role of this variant in disease. Therefore, it has been classified as a Variant of Uncertain Significance. Advanced modeling of protein sequence and biophysical properties (such as structural, functional, and spatial information, amino acid conservation, physicochemical variation, residue mobility, and thermodynamic stability) has been performed at Invitae for this missense variant, however the output from this modeling did not meet the statistical confidence thresholds required to predict the impact of this variant on FLNC protein function. This variant has not been reported in the literature in individuals affected with FLNC-related conditions. This variant is present in population databases (rs767967255, gnomAD 0.006%). This sequence change replaces aspartic acid, which is acidic and polar, with glutamic acid, which is acidic and polar, at codon 820 of the FLNC protein (p.Asp820Glu).

NM_001458.5(FLNC):c.2460C>A (p.Asp820Glu)

Gene: FLNC (filamin C; plus strand). Cytogenetic location: 7q32.1.
Variant type: single nucleotide variant.
Coding change: c.2460C>A on transcript NM_001458.5 (MANE Select); coding-DNA position 2460, C replaced by A.
Protein change: p.Asp820Glu; replaces aspartic acid 820 with glutamic acid.
Molecular consequence: missense variant.
Genome position (GRCh38, 1-based): chr7:128,842,864, C>A. VCF-style: chr7-128842864-C-A. GRCh37 (hg19) VCF-style: chr7-128482918-C-A.
Other names: c.2460C>A, p.Asp820Glu (NM_001127487.2); short protein forms D820E.
Identifiers: ClinVar variation 2946490 (VCV002946490.3), dbSNP rs767967255, ClinGen allele CA4474738.